The following is an entry in ClinVar:

NM_001353345.2(SETD1B):c.587G>C (p.Arg196Pro)

Gene: SETD1B (SET domain containing 1B, histone lysine methyltransferase; plus strand). Cytogenetic location: 12q24.31.
Variant type: single nucleotide variant.
Coding change: c.587G>C on transcript NM_001353345.2 (MANE Select); coding-DNA position 587, G replaced by C.
Protein change: p.Arg196Pro; replaces arginine 196 with proline.
Molecular consequence: missense variant.
Genome position (GRCh38, 1-based): chr12:121,808,250, G>C. VCF-style: chr12-121808250-G-C. GRCh37 (hg19) VCF-style: chr12-122246156-G-C.
Other names: short protein forms R196P.
Identifiers: ClinVar variation 3907860 (VCV003907860.1).

ClinVar aggregate classification (germline): Uncertain significance (1 of 4 stars; one submission).

Submission:

GeneDx
Classification: Uncertain significance. Last evaluated: 2024-12-23. Review status: criteria provided, single submitter. Criteria: GeneDx Variant Classification Process June 2021. Collection method: clinical testing. Allele origin: germline. Affected: yes.
Comment: Not observed at significant frequency in large population cohorts (gnomAD); In silico analysis indicates that this missense variant does not alter protein structure/function; Has not been previously published as pathogenic or benign to our knowledge